The following is an entry in ClinVar:

ClinVar aggregate classification (germline): Likely benign (1 of 4 stars; one submission).

Conditions:
MAP1B-related disorder. Also called: MAP1B-related condition.

Submission:

PreventionGenetics, part of Exact Sciences
Classification: Likely benign for MAP1B-related condition. Last evaluated: 2026-09-18. Review status: criteria provided, single submitter. Criteria: ACMG Guidelines, 2015. Collection method: clinical testing. Allele origin: germline.
Comment: This variant is classified as likely benign based on ACMG/AMP sequence variant interpretation guidelines (Richards et al. 2015 PMID: 25741868, with internal and published modifications).

NM_005909.5(MAP1B):c.2517C>T (p.Asp839=)

Gene: MAP1B (microtubule associated protein 1B; plus strand). Cytogenetic location: 5q13.2.
Variant type: single nucleotide variant.
Coding change: c.2517C>T on transcript NM_005909.5 (MANE Select); coding-DNA position 2517, C replaced by T.
Protein change: p.Asp839=; no amino-acid change (aspartic acid 839 retained).
Molecular consequence: synonymous variant.
Genome position (GRCh38, 1-based): chr5:72,195,872, C>T. VCF-style: chr5-72195872-C-T. GRCh37 (hg19) VCF-style: chr5-71491699-C-T.
Other names: c.2139C>T, p.Asp713= (NM_001324255.2).
Identifiers: ClinVar variation 4987764 (VCV004987764.1).